The following is an entry in ClinVar:

NM_033305.3(VPS13A):c.6338_6339insGCTGAGTG (p.Arg2114fs)

Gene: VPS13A (vacuolar protein sorting 13 homolog A; plus strand). Cytogenetic location: 9q21.2.
Variant type: Insertion.
Coding change: c.6338_6339insGCTGAGTG on transcript NM_033305.3 (MANE Select); coding-DNA positions 6338 to 6339, GCTGAGTG inserted.
Protein change: p.Arg2114fs; shifts the reading frame from arginine 2114.
Molecular consequence: frameshift variant.
Genome position: GRCh38 VCF-style: chr9-77337497-T-TGCTGAGTG. GRCh37 (hg19) VCF-style: chr9-79952413-T-TGCTGAGTG.
Other names: c.6221_6222insGCTGAGTG, p.Arg2075fs (NM_001018037.2); c.6338_6339insGCTGAGTG, p.Arg2114fs (NM_001018038.3, NM_015186.4); short protein forms R2075fs, R2114fs.
Identifiers: ClinVar variation 5016407 (VCV005016407.1).
Genomic context (GRCh38, chr9:77,337,497, plus strand): 5'-TGTATTCAGAAGATGGTTGGGATTTACCATACATAATGCATTTGTGGCCACCTATCCTGC[T>TGCTGAGTG]CCGAAATCTTCTTCCTTACAAAATTGCTTATTATATAGAGGTATCGGCAAACTGATTTAG-3'

ClinVar aggregate classification (germline): Pathogenic (1 of 4 stars; one submission).

Conditions:
VPS13A-related neurodegenerative disease. Also called: ACANTHOCYTOSIS WITH NEUROLOGIC DISORDER; LEVINE-CRITCHLEY SYNDROME; Choreoacanthocytosis; Chorea-acanthocytosis; Choreaacanthocytosis; VPS13A Disease. Identifiers: Orphanet 2388, MedGen C0393576, MONDO:0008695, OMIM 200150.

Submission:

Myriad Genetics, Inc.
Classification: Pathogenic for VPS13A-related neurodegenerative disease. Last evaluated: 2024-05-14. Review status: criteria provided, single submitter. Criteria: Myriad Autosomal Dominant, Autosomal Recessive and X-Linked Classification Criteria (2023). Collection method: clinical testing. Allele origin: unknown.
Comment: NM_033305.2(VPS13A):c.6338_6339ins8(R2114Lfs*15) is expected to be pathogenic in the context of VPS13A disease. This variant is predicted to lead to an abnormal or absent protein product due to the creation of a premature termination codon in VPS13A, a gene where loss-of-function variants are known to be pathogenic. Please note: this variant was assessed in the context of healthy population screening.